The following is an entry in ClinVar:

NM_020812.4(DOCK6):c.5221-3C>T

Genes: DOCK6 (dedicator of cytokinesis 6; minus strand), DOCK6-AS1 (DOCK6 antisense RNA 1; plus strand). Cytogenetic location: 19p13.2.
Variant type: single nucleotide variant.
Coding change: c.5221-3C>T on transcript NM_020812.4 (MANE Select); 3 bases into the intron before coding-DNA position 5221, C replaced by T.
Molecular consequence: intron variant.
Genome position (GRCh38, 1-based): chr19:11,204,098, G>A on the plus strand (C>T on the coding strand, the complement: DOCK6 is on the minus strand). VCF-style: chr19-11204098-G-A. GRCh37 (hg19) VCF-style: chr19-11314774-G-A.
Other names: c.5326-3C>T (NM_001367830.1).
Identifiers: ClinVar variation 1994828 (VCV001994828.4), dbSNP rs1004531285, ClinGen allele CA305303095.
Genomic context (GRCh38, chr19:11,204,098, plus strand): 5'-GGGGGTCCCAGAGGCAGGTGGCTGTCCACCAAGGCTGACTCACCTCCCAGCCGGAACTCT[G>A]TGGGGAAGAGAAGGGTCAAGGTCAGCAGATCCCTGGGGATGAGGAGTGGGGATGAGGAGT-3'

ClinVar aggregate classification (germline): Uncertain significance (1 of 4 stars; one submission).

Allele frequency attached by ClinVar (database versions not stated): gnomAD 0.00001; TOPMed 0.00001.

Submission:

Labcorp Genetics (formerly Invitae), Labcorp
Classification: Uncertain significance. Last evaluated: 2024-10-29. Review status: criteria provided, single submitter. Criteria: Invitae Variant Classification Sherloc (09022015). Collection method: clinical testing. Allele origin: germline.
Comment: This sequence change falls in intron 40 of the DOCK6 gene. It does not directly change the encoded amino acid sequence of the DOCK6 protein. It affects a nucleotide within the consensus splice site. This variant is not present in population databases (gnomAD no frequency). This variant has not been reported in the literature in individuals affected with DOCK6-related conditions. ClinVar contains an entry for this variant (Variation ID: 1994828). Variants that disrupt the consensus splice site are a relatively common cause of aberrant splicing (PMID: 17576681, 9536098). Algorithms developed to predict the effect of sequence changes on RNA splicing suggest that this variant is not likely to affect RNA splicing. In summary, the available evidence is currently insufficient to determine the role of this variant in disease. Therefore, it has been classified as a Variant of Uncertain Significance.

Literature cited by the submitters: PubMed 17576681; PubMed 9536098.